The following is an entry in ClinVar:

NM_014444.5(TUBGCP4):c.1294A>G (p.Arg432Gly)

Gene: TUBGCP4 (tubulin gamma complex component 4; plus strand). Cytogenetic location: 15q15.3.
Variant type: single nucleotide variant.
Coding change: c.1294A>G on transcript NM_014444.5 (MANE Select); coding-DNA position 1294, A replaced by G.
Protein change: p.Arg432Gly; replaces arginine 432 with glycine.
Molecular consequence: missense variant.
Genome position (GRCh38, 1-based): chr15:43,398,055, A>G. VCF-style: chr15-43398055-A-G. GRCh37 (hg19) VCF-style: chr15-43690253-A-G.
Other names: c.1297A>G, p.Arg433Gly (NM_001286414.3); short protein forms R433G, R432G.
Identifiers: ClinVar variation 1465144 (VCV001465144.6), dbSNP rs2142867884, ClinGen allele CA392132768.

ClinVar aggregate classification (germline): Uncertain significance (1 of 4 stars; one submission).

Submission:

Labcorp Genetics (formerly Invitae), Labcorp
Classification: Uncertain significance. Last evaluated: 2021-10-29. Review status: criteria provided, single submitter. Criteria: Invitae Variant Classification Sherloc (09022015). Collection method: clinical testing. Allele origin: germline.
Comment: In summary, the available evidence is currently insufficient to determine the role of this variant in disease. Therefore, it has been classified as a Variant of Uncertain Significance. Algorithms developed to predict the effect of missense changes on protein structure and function are either unavailable or do not agree on the potential impact of this missense change (SIFT: "Tolerated"; PolyPhen-2: "Possibly Damaging"; Align-GVGD: "Class C0"). This variant has not been reported in the literature in individuals affected with TUBGCP4-related conditions. This variant is not present in population databases (gnomAD no frequency). This sequence change replaces arginine, which is basic and polar, with glycine, which is neutral and non-polar, at codon 433 of the TUBGCP4 protein (p.Arg433Gly).